The following is an entry in ClinVar:

NM_001083961.2(WDR62):c.1480G>A (p.Gly494Arg)

Gene: WDR62 (WD repeat domain 62; plus strand). Cytogenetic location: 19q13.12.
Variant type: single nucleotide variant.
Coding change: c.1480G>A on transcript NM_001083961.2 (MANE Select); coding-DNA position 1480, G replaced by A.
Protein change: p.Gly494Arg; replaces glycine 494 with arginine.
Molecular consequence: missense variant.
Genome position (GRCh38, 1-based): chr19:36,083,171, G>A. VCF-style: chr19-36083171-G-A. GRCh37 (hg19) VCF-style: chr19-36574073-G-A.
Other names: c.1480G>A, p.Gly494Arg (NM_173636.5); short protein forms G494R.
Identifiers: ClinVar variation 160249 (VCV000160249.29), dbSNP rs587784543, ClinGen allele CA272756.

ClinVar aggregate classification (germline): Conflicting classifications of pathogenicity. Review status: criteria provided, conflicting classifications (1 of 4 stars). 8 submissions from 8 submitters: Likely pathogenic (4); Uncertain significance (3). 1 of the submissions does not count toward it. Last evaluated 2024-12-30.

Conditions:
Inborn genetic diseases. Identifiers: MedGen C0950123, MeSH D030342.
Microcephaly 2, primary, autosomal recessive, with or without cortical malformations. Also called: MICROCEPHALY 2, PRIMARY, AUTOSOMAL RECESSIVE, WITH CORTICAL MALFORMATIONS; WDR62 Primary Microcephaly. Identifiers: Orphanet 2512, MedGen C1858535, MONDO:0011435, OMIM 604317.
Abnormal cerebral morphology. Also called: Abnormality of the cerebrum. Identifiers: MedGen C4021762, HP:0002060.

Allele frequency attached by ClinVar (database versions not stated): ExAC 0.00002; gnomAD exomes 0.00005 and 0.00011; gnomAD 0.00006 and 0.00007; TOPMed 0.00008.
gnomAD v4.1: 178 of 1,612,356 alleles (0.011%); highest among the groups gnomAD compares: Non-Finnish European, 0.014%; no homozygotes.

Submissions (8):

GeneDx
Classification: Likely pathogenic. Last evaluated: 2024-12-30. Review status: criteria provided, single submitter. Criteria: GeneDx Variant Classification Process June 2021. Collection method: clinical testing. Allele origin: germline. Affected: yes.
Comment: Not observed at significant frequency in large population cohorts (gnomAD); In silico analysis supports that this missense variant has a deleterious effect on protein structure/function; This variant is associated with the following publications: (PMID: 31589614, 35726608, 33589534, 33604570, 33502066)

Mayo Clinic Laboratories, Mayo Clinic
Classification: Likely pathogenic. Last evaluated: 2022-06-27. Review status: criteria provided, single submitter. Criteria: ACMG Guidelines, 2015. Collection method: clinical testing. Allele origin: germline. Observed: 2 variant alleles.
Comment: PP1, PP4, PM2, PM3

Labcorp Genetics (formerly Invitae), Labcorp
Classification: Uncertain significance. Last evaluated: 2022-02-11. Review status: criteria provided, single submitter. Criteria: Invitae Variant Classification Sherloc (09022015). Collection method: clinical testing. Allele origin: germline.
Comment: This sequence change replaces glycine, which is neutral and non-polar, with arginine, which is basic and polar, at codon 494 of the WDR62 protein (p.Gly494Arg). This variant is present in population databases (rs587784543, gnomAD 0.01%). This missense change has been observed in individual(s) with clinical features of Seckel syndrome (PMID: 33604570). It has also been observed to segregate with disease in related individuals. ClinVar contains an entry for this variant (Variation ID: 160249). Algorithms developed to predict the effect of missense changes on protein structure and function are either unavailable or do not agree on the potential impact of this missense change (SIFT: "Deleterious"; PolyPhen-2: "Probably Damaging"; Align-GVGD: "Class C0"). In summary, the available evidence is currently insufficient to determine the role of this variant in disease. Therefore, it has been classified as a Variant of Uncertain Significance.

Blueprint Genetics
Classification: Uncertain significance. Last evaluated: 2020-02-05. Review status: criteria provided, single submitter. Criteria: ACMG Guidelines, 2015. Collection method: clinical testing. Allele origin: germline.

Illumina Laboratory Services, Illumina
Classification: Uncertain significance for Microcephaly 2, primary, autosomal recessive, with or without cortical malformations. Last evaluated: 2018-01-13. Review status: criteria provided, single submitter. Criteria: ICSL Variant Classification Criteria 13 December 2019. Collection method: clinical testing. Allele origin: germline.

Ambry Genetics
Classification: Likely pathogenic for Inborn genetic diseases. Last evaluated: 2015-10-23. Review status: criteria provided, single submitter. Criteria: Ambry exome assertion method (8-5-2015). Collection method: clinical testing. Allele origin: germline. Affected: yes. Observed: 1 variant allele.

Genetic Services Laboratory, University of Chicago
Classification: Likely pathogenic for Microcephaly 2, primary, autosomal recessive, with or without cortical malformations. Last evaluated: 2013-05-31. Review status: criteria provided, single submitter. Criteria: ACMG Guidelines, 2007. Collection method: clinical testing. Allele origin: germline. Inheritance: Autosomal recessive inheritance. Affected: yes.

Diagnostic Laboratory, Strasbourg University Hospital
Classification: Likely pathogenic for Abnormal cerebral morphology. Review status: no assertion criteria provided. Collection method: clinical testing. Allele origin: germline. Affected: yes. Observed: 1 compound heterozygote. Not counted in ClinVar's aggregate classification.

Literature cited by the submitters: PubMed 31589614 (cited by Mayo Clinic Laboratories, Mayo Clinic); PubMed 33502066 (cited by Mayo Clinic Laboratories, Mayo Clinic); PubMed 33589534 (cited by Mayo Clinic Laboratories, Mayo Clinic); PubMed 33604570 (cited by Mayo Clinic Laboratories, Mayo Clinic and Labcorp Genetics (formerly Invitae), Labcorp).